The following is an entry in ClinVar:

ClinVar aggregate classification (germline): Uncertain significance (1 of 4 stars; one submission).

Allele frequency attached by ClinVar (database versions not stated): gnomAD exomes 0.00002.
gnomAD v4.1: 11 of 1,614,200 alleles (0.00068%); highest among the groups gnomAD compares: Admixed American, 0.018%; no homozygotes.

Submission:

Labcorp Genetics (formerly Invitae), Labcorp
Classification: Uncertain significance. Last evaluated: 2025-05-05. Review status: criteria provided, single submitter. Criteria: Invitae Variant Classification Sherloc (09022015). Collection method: clinical testing. Allele origin: germline.
Comment: This sequence change replaces threonine, which is neutral and polar, with lysine, which is basic and polar, at codon 566 of the BEST1 protein (p.Thr566Lys). This variant is present in population databases (no rsID available, gnomAD 0.03%). This variant has not been reported in the literature in individuals affected with BEST1-related conditions. ClinVar contains an entry for this variant (Variation ID: 1715309). Invitae Evidence Modeling of protein sequence and biophysical properties (such as structural, functional, and spatial information, amino acid conservation, physicochemical variation, residue mobility, and thermodynamic stability) has been performed for this missense variant. However, the output from this modeling did not meet the statistical confidence thresholds required to predict the impact of this variant on BEST1 protein function. In summary, the available evidence is currently insufficient to determine the role of this variant in disease. Therefore, it has been classified as a Variant of Uncertain Significance.

NM_004183.4(BEST1):c.1697C>A (p.Thr566Lys)

Gene: BEST1 (bestrophin 1; plus strand). Cytogenetic location: 11q12.3.
Variant type: single nucleotide variant.
Coding change: c.1697C>A on transcript NM_004183.4 (MANE Select); coding-DNA position 1697, C replaced by A.
Protein change: p.Thr566Lys; replaces threonine 566 with lysine.
Molecular consequence: missense variant. On other transcripts: non-coding transcript variant (1).
Genome position (GRCh38, 1-based): chr11:61,962,851, C>A. VCF-style: chr11-61962851-C-A. GRCh37 (hg19) VCF-style: chr11-61730323-C-A.
Other names: c.1517C>A, p.Thr506Lys (NM_001139443.3, NM_001300787.2); c.1436C>A, p.Thr479Lys (NM_001300786.2); c.1379C>A, p.Thr460Lys (NM_001363591.3); c.*592C>A (NM_001363592.2); c.725C>A, p.Thr242Lys (NM_001363593.3); short protein forms T242K, T460K, T479K, T506K, T566K.
Identifiers: ClinVar variation 1715309 (VCV001715309.5), dbSNP rs1324191760, ClinGen allele CA380850568.